The following is an entry in ClinVar:

NM_032730.5(RTN4IP1):c.587del (p.Gly196fs)

Gene: RTN4IP1 (reticulon 4 interacting protein 1; minus strand). Cytogenetic location: 6q21.
Variant type: Deletion.
Coding change: c.587del on transcript NM_032730.5 (MANE Select); coding-DNA position 587, one base deleted (G; older notation c.587delG).
Protein change: p.Gly196fs; shifts the reading frame from glycine 196.
Molecular consequence: frameshift variant.
Genome position (GRCh38, 1-based): chr6:106,619,235, C deleted on the plus strand (G on the coding strand, the reverse complement: RTN4IP1 is on the minus strand); the first of 2 consecutive C bases (chr6:106,619,235-106,619,236); deleting either gives the same sequence. VCF-style (leftmost placement, unchanged base first): chr6-106619234-AC-A. GRCh37 (hg19) VCF-style: chr6-107067109-AC-A.
Other names: c.287del, p.Gly96fs (NM_001318746.1); short protein forms G96fs, G196fs.
Identifiers: ClinVar variation 844298 (VCV000844298.7), dbSNP rs1776423674, ClinGen allele CA916082891.

ClinVar aggregate classification (germline): Pathogenic (1 of 4 stars; one submission).

Submission:

Labcorp Genetics (formerly Invitae), Labcorp
Classification: Pathogenic. Last evaluated: 2023-08-04. Review status: criteria provided, single submitter. Criteria: Invitae Variant Classification Sherloc (09022015). Collection method: clinical testing. Allele origin: germline.
Comment: For these reasons, this variant has been classified as Pathogenic. ClinVar contains an entry for this variant (Variation ID: 844298). This variant has not been reported in the literature in individuals affected with RTN4IP1-related conditions. This variant is not present in population databases (gnomAD no frequency). This sequence change creates a premature translational stop signal (p.Gly196Valfs*3) in the RTN4IP1 gene. It is expected to result in an absent or disrupted protein product. Loss-of-function variants in RTN4IP1 are known to be pathogenic (PMID: 26593267).

Literature cited by the submitters: PubMed 26593267.